The following is an entry in ClinVar:

NM_006158.5(NEFL):c.569G>T (p.Gly190Val)

Gene: NEFL (neurofilament light chain; minus strand). Cytogenetic location: 8p21.2.
Variant type: single nucleotide variant.
Coding change: c.569G>T on transcript NM_006158.5 (MANE Select); coding-DNA position 569, G replaced by T.
Protein change: p.Gly190Val; replaces glycine 190 with valine.
Molecular consequence: missense variant.
Genome position (GRCh38, 1-based): chr8:24,955,947, C>A on the plus strand (G>T on the coding strand, the complement: NEFL is on the minus strand). VCF-style: chr8-24955947-C-A. GRCh37 (hg19) VCF-style: chr8-24813461-C-A.
Other names: short protein forms G190V.
Identifiers: ClinVar variation 1047820 (VCV001047820.3), dbSNP rs1803044984, ClinGen allele CA370622105.
Genomic context (GRCh38, chr8:24,955,947, plus strand): 5'-TCGAGCTCGGCGCGAGCGAGCGCCGCCTCGTCGGCGCCTTTGCGCGCTTCCATCAGCCGG[C>A]CCTCGGCGTCCTCGCGGCTCAGCACCTCCTCTTCATAGCGCGCCTGCAGGTTGCGCAGGG-3'
Protein context (NP_006149.2, residues 180-200): EEVLSREDAE[Gly190Val]RLMEARKGAD

ClinVar aggregate classification (germline): Uncertain significance (1 of 4 stars; one submission).

Conditions:
Charcot-Marie-Tooth disease type 2E (CMT2E). Also called: CHARCOT-MARIE-TOOTH DISEASE, AXONAL, TYPE 2E; CHARCOT-MARIE-TOOTH NEUROPATHY, TYPE 2E. Identifiers: Orphanet 99939, MedGen C1843225, MONDO:0011894, OMIM 607684.

Submission:

Labcorp Genetics (formerly Invitae), Labcorp
Classification: Uncertain significance for Charcot-Marie-Tooth disease type 2E. Last evaluated: 2023-04-04. Review status: criteria provided, single submitter. Criteria: Invitae Variant Classification Sherloc (09022015). Collection method: clinical testing. Allele origin: germline.
Comment: ClinVar contains an entry for this variant (Variation ID: 1047820). This variant has not been reported in the literature in individuals affected with NEFL-related conditions. This variant is not present in population databases (gnomAD no frequency). This sequence change replaces glycine, which is neutral and non-polar, with valine, which is neutral and non-polar, at codon 190 of the NEFL protein (p.Gly190Val). In summary, the available evidence is currently insufficient to determine the role of this variant in disease. Therefore, it has been classified as a Variant of Uncertain Significance. Advanced modeling of protein sequence and biophysical properties (such as structural, functional, and spatial information, amino acid conservation, physicochemical variation, residue mobility, and thermodynamic stability) performed at Invitae indicates that this missense variant is not expected to disrupt NEFL protein function.